The following continues an entry in ClinVar:

NM_000069.3(CACNA1S):c.262A>G (p.Lys88Glu)

Gene: CACNA1S. ClinVar aggregate classification (germline): Conflicting classifications of pathogenicity. Uncertain significance (8); Benign (1); Likely benign (1).

Submissions 11 to 13 of 13:

Department of Pathology and Laboratory Medicine, Sinai Health System
Classification: Uncertain significance for Thyrotoxic periodic paralysis, susceptibility to, 1. Review status: no assertion criteria provided. Collection method: clinical testing. Allele origin: unknown. Affected: yes. Study: The Canadian Open Genetics Repository (COGR). Not counted in ClinVar's aggregate classification.
Comment: The CACNA1S p.Lys88Glu variant was identified in the literature, however the frequency of this variant in an affected population was not provided. The variant was identified in ClinVar (Variant of uncertain significance; classified as uncertain significance by Invitae in 2017, EGL Genetic Diagnostics in 2017, and GeneDx in 2018), LOVD 3.0 (1 submission, likely benign) and dbSNP (rs140330831, Uncertain) databases. The variant was identified in control databases in 67 of 282844 chromosomes at a frequency of 0.0002369 (Genome Aggregation Database March 6, 2019, v2.1.1). The variant was observed in the following populations: European (non-Finnish) in 57 of 129164 chromosomes (freq: 0.000441), Other in 2 of 7224 chromosomes (freq: 0.000277), Ashkenazi Jewish in 2 of 10370 chromosomes (freq: 0.000193), European (Finnish) in 3 of 25120 chromosomes (freq: 0.000119), Latino in 3 of 35440 chromosomes (freq: 0.000085), but was not observed in the African, East Asian, or South Asian populations. The variant was identified in 1/1740 alleles of adults unselected for malignant hyperthermia (Gonsalves_2013_PMID: 24195946). The p.Lys88 residue is conserved in mammals but not in more istantly related organisms, and computational analyses (PolyPhen-2, SIFT, AlignGVGD, MutationTaster, DANN, MT, FATHMM, MetaLR, Revel) provide inconsistent predictions regarding the impact to the protein; this information is not very predictive of pathogenicity. The variant occurs outside of the splicing consensus sequence and 1 of 4 in silico or computational prediction software programs (SpliceSiteFinder, MaxEntScan, NNSPLICE, GeneSplicer) predict a greater than 10% difference in splicing; this is not very predictive of pathogenicity. In summary, based on the above information, the clinical significance of this variant cannot be determined with certainty at this time. This variant is classified as a variant of uncertain significance.Disease Information:Â¬â€ Heterozygous pathogenic variants in CACNA1S cause hypokalemic periodic paralysis type 1 (OMIM: 170400). Â¬â€ Hypokalemic periodic paralysis (hypoPP) is a condition in which affected individuals may experience paralytic episodes with concomitant hypokalemia (serum potassium <3.5 mmol/L). The paralytic attacks are characterized by decreased muscle tone (flaccidity) more marked proximally than distally with normal to decreased deep tendon reflexes. The episodes develop over minutes to hours and last several minutes to several days with spontaneous recovery. (Verbatim, GeneReviews) Heterozygous pathogenic variants in CACNA1SÂ¬â€ are also associated with susceptibility to malignant hyperthermia (OMIM: 601887). Malignant hyperthermia susceptibility (MHS) is a pharmacogenetic disorder of skeletal muscle calcium regulation associated with uncontrolled skeletal muscle hypermetabolism. Manifestations of malignant hyperthermia (MH) are precipitated by certain volatile anesthetics (i.e., halothane, isoflurane, sevoflurane, desflurane, enflurane), either alone or in conjunction with a depolarizing muscle relaxant (specifically, succinylcholine). The triggering substances cause uncontrolled release of calcium from the sarcoplasmic reticulum and may promote entry of extracellular calcium into the myoplasm, causing contracture of skeletal muscles, glycogenolysis, and increased cellular metabolism, resulting in production of heat and excess lactate. Affected individuals experience acidosis, hypercapnia, tachycardia, hyperthermia, muscle rigidity, compartment syndrome, rhabdomyolysis with subsequent increase in serum creatine kinase (CK) concentration, hyperkalemia with a risk for cardiac arrhythmia or even cardiac arrest, and myoglobinuria with a risk for renal failure. (Verbatim, GeneReviews) Heterozygous pathogenic variants in CACNA1S are also associated with susceptibility to thyrotoxic periodic paralysis (OMIM: 188580). Thyrotoxic periodic paralysis is a sporadic muscle disorder characterized by episodic attacks of weakness associated with hypokalemia in individuals with hyperthyroidism. The paralysis resolves upon treatment of hyperthyroidism (OMIM: 188580)Familial Risk:Â¬â€ Hypokalemic periodic paralysis, susceptibility to malignant hyperthermia, and susceptibility to thyrotoxic periodic paralysis are all inherited in an autosomal dominant manner. Each offspring of an individual with a variant has a 50% chance of inheriting the variant.

Department of Pathology and Laboratory Medicine, Sinai Health System
Classification: Uncertain significance for Hypokalemic periodic paralysis, type 1. Review status: no assertion criteria provided. Collection method: clinical testing. Allele origin: unknown. Affected: yes. Study: The Canadian Open Genetics Repository (COGR). Not counted in ClinVar's aggregate classification.
Comment: the same text as in the submission from Department of Pathology and Laboratory Medicine, Sinai Health System above.

Department of Pathology and Laboratory Medicine, Sinai Health System
Classification: Uncertain significance for Malignant hyperthermia, susceptibility to, 5. Review status: no assertion criteria provided. Collection method: clinical testing. Allele origin: unknown. Affected: yes. Study: The Canadian Open Genetics Repository (COGR). Not counted in ClinVar's aggregate classification.
Comment: The CACNA1S p.Lys88Glu variant was identified in the literature, however the frequency of this variant in an affected population was not provided. The variant was identified in ClinVar (Variant of uncertain significance; classified as uncertain significance by Invitae in 2017, EGL Genetic Diagnostics in 2017, and GeneDx in 2018), LOVD 3.0 (1 submission, likely benign) and dbSNP (rs140330831, Uncertain) databases. The variant was identified in control databases in 67 of 282844 chromosomes at a frequency of 0.0002369 (Genome Aggregation Database March 6, 2019, v2.1.1). The variant was observed in the following populations: European (non-Finnish) in 57 of 129164 chromosomes (freq: 0.000441), Other in 2 of 7224 chromosomes (freq: 0.000277), Ashkenazi Jewish in 2 of 10370 chromosomes (freq: 0.000193), European (Finnish) in 3 of 25120 chromosomes (freq: 0.000119), Latino in 3 of 35440 chromosomes (freq: 0.000085), but was not observed in the African, East Asian, or South Asian populations. The variant was identified in 1/1740 alleles of adults unselected for malignant hyperthermia (Gonsalves_2013_PMID: 24195946). The p.Lys88 residue is conserved in mammals but not in more istantly related organisms, and computational analyses (PolyPhen-2, SIFT, AlignGVGD, MutationTaster, DANN, MT, FATHMM, MetaLR, Revel) provide inconsistent predictions regarding the impact to the protein; this information is not very predictive of pathogenicity. The variant occurs outside of the splicing consensus sequence and 1 of 4 in silico or computational prediction software programs (SpliceSiteFinder, MaxEntScan, NNSPLICE, GeneSplicer) predict a greater than 10% difference in splicing; this is not very predictive of pathogenicity. In summary, based on the above information, the clinical significance of this variant cannot be determined with certainty at this time. This variant is classified as a variant of uncertain significance.